The following is an entry in ClinVar:

ClinVar aggregate classification (germline): Pathogenic (1 of 4 stars; one submission).

Submission:

Labcorp Genetics (formerly Invitae), Labcorp
Classification: Pathogenic. Last evaluated: 2023-02-02. Review status: criteria provided, single submitter. Criteria: Invitae Variant Classification Sherloc (09022015). Collection method: clinical testing. Allele origin: germline.
Comment: For these reasons, this variant has been classified as Pathogenic. This variant has not been reported in the literature in individuals affected with COL7A1-related conditions. This variant is not present in population databases (gnomAD no frequency). This sequence change creates a premature translational stop signal (p.Glu1446Lysfs*264) in the COL7A1 gene. It is expected to result in an absent or disrupted protein product. Loss-of-function variants in COL7A1 are known to be pathogenic (PMID: 16971478).

Literature cited by the submitters: PubMed 16971478.

NM_000094.4(COL7A1):c.4336del (p.Glu1446fs)

Gene: COL7A1 (collagen type VII alpha 1 chain; minus strand). Cytogenetic location: 3p21.31.
Variant type: Deletion.
Coding change: c.4336del on transcript NM_000094.4 (MANE Select); coding-DNA position 4336, one base deleted (G; older notation c.4336delG).
Protein change: p.Glu1446fs; shifts the reading frame from glutamic acid 1446.
Molecular consequence: frameshift variant.
Genome position (GRCh38, 1-based): chr3:48,583,723, C deleted on the plus strand (G on the coding strand, the reverse complement: COL7A1 is on the minus strand). VCF-style (leftmost placement, unchanged base first): chr3-48583722-TC-T. GRCh37 (hg19) VCF-style: chr3-48621155-TC-T.
Other names: short protein forms E1446fs.
Identifiers: ClinVar variation 2833926 (VCV002833926.3), dbSNP rs2531150861, ClinGen allele CA2586972325.